The following is an entry in ClinVar:

ClinVar aggregate classification (germline): Uncertain significance (1 of 4 stars; one submission).

gnomAD v4.1: 47 of 1,588,592 alleles (0.003%); highest among the groups gnomAD compares: East Asian, 0.049%; no homozygotes.

Submission:

Labcorp Genetics (formerly Invitae), Labcorp
Classification: Uncertain significance. Last evaluated: 2026-01-12. Review status: criteria provided, single submitter. Criteria: Invitae Variant Classification Sherloc (09022015). Collection method: clinical testing. Allele origin: germline.
Comment: This sequence change replaces glycine, which is neutral and non-polar, with serine, which is neutral and polar, at codon 161 of the TALDO1 protein (p.Gly161Ser). This variant is present in population databases (rs773834325, gnomAD 0.02%). This variant has not been reported in the literature in individuals affected with TALDO1-related conditions. ClinVar contains an entry for this variant (Variation ID: 2184964). Invitae Evidence Modeling of protein sequence and biophysical properties (such as structural, functional, and spatial information, amino acid conservation, physicochemical variation, residue mobility, and thermodynamic stability) indicates that this missense variant is not expected to disrupt TALDO1 protein function with a negative predictive value of 80%. In summary, the available evidence is currently insufficient to determine the role of this variant in disease. Therefore, it has been classified as a Variant of Uncertain Significance.

NM_006755.2(TALDO1):c.481G>A (p.Gly161Ser)

Genes: TALDO1 (transaldolase 1; plus strand), LOC126861110 (CDK7 strongly-dependent group 2 enhancer GRCh37_chr11:762588-763787; plus strand). Cytogenetic location: 11p15.5.
Variant type: single nucleotide variant.
Coding change: c.481G>A on transcript NM_006755.2 (MANE Select); coding-DNA position 481, G replaced by A.
Protein change: p.Gly161Ser; replaces glycine 161 with serine.
Molecular consequence: missense variant.
Genome position (GRCh38, 1-based): chr11:763,363, G>A. VCF-style: chr11-763363-G-A. GRCh37 (hg19) VCF-style: chr11-763363-G-A.
Other names: short protein forms G161S.
Identifiers: ClinVar variation 2184964 (VCV002184964.4), dbSNP rs773834325, ClinGen allele CA5788188.